The following is an entry in ClinVar:

ClinVar aggregate classification (germline): Uncertain significance. Review status: criteria provided, multiple submitters, no conflicts (2 of 4 stars). 3 submissions from 3 submitters: Uncertain significance (3). Last evaluated 2024-05-24.

Allele frequency attached by ClinVar (database versions not stated): gnomAD exomes 0.00001 and 0.00002; gnomAD 0.00003 and 0.00005; ExAC 0.00004; TOPMed 0.00006; ESP Exome Variant Server 0.00015.
gnomAD v4.1: 43 of 1,613,252 alleles (0.0027%); highest among the groups gnomAD compares: Middle Eastern, 0.016%; no homozygotes.

Submissions (3):

Blueprint Genetics
Classification: Uncertain significance. Last evaluated: 2024-05-24. Review status: criteria provided, single submitter. Criteria: ACMG Guidelines, 2015. Collection method: clinical testing. Allele origin: germline.

Labcorp Genetics (formerly Invitae), Labcorp
Classification: Uncertain significance. Last evaluated: 2023-10-03. Review status: criteria provided, single submitter. Criteria: Invitae Variant Classification Sherloc (09022015). Collection method: clinical testing. Allele origin: germline.
Comment: This sequence change replaces aspartic acid, which is acidic and polar, with asparagine, which is neutral and polar, at codon 396 of the PITPNM3 protein (p.Asp396Asn). This variant is present in population databases (rs373601000, gnomAD 0.003%). This variant has not been reported in the literature in individuals affected with PITPNM3-related conditions. ClinVar contains an entry for this variant (Variation ID: 1365059). Advanced modeling of protein sequence and biophysical properties (such as structural, functional, and spatial information, amino acid conservation, physicochemical variation, residue mobility, and thermodynamic stability) performed at Invitae indicates that this missense variant is not expected to disrupt PITPNM3 protein function. In summary, the available evidence is currently insufficient to determine the role of this variant in disease. Therefore, it has been classified as a Variant of Uncertain Significance.

Ambry Genetics
Classification: Uncertain significance. Last evaluated: 2021-08-12. Review status: criteria provided, single submitter. Criteria: Ambry Variant Classification Scheme 2023. Collection method: clinical testing. Allele origin: germline.

NM_031220.4(PITPNM3):c.1186G>A (p.Asp396Asn)

Gene: PITPNM3 (PITPNM family member 3; minus strand). Cytogenetic location: 17p13.2.
Variant type: single nucleotide variant.
Coding change: c.1186G>A on transcript NM_031220.4 (MANE Select); coding-DNA position 1186, G replaced by A.
Protein change: p.Asp396Asn; replaces aspartic acid 396 with asparagine.
Molecular consequence: missense variant.
Genome position (GRCh38, 1-based): chr17:6,474,504, C>T on the plus strand (G>A on the coding strand, the complement: PITPNM3 is on the minus strand). VCF-style: chr17-6474504-C-T. GRCh37 (hg19) VCF-style: chr17-6377824-C-T.
Other names: c.1078G>A, p.Asp360Asn (NM_001165966.2); c.1186G>A (NM_031220.3); short protein forms D360N, D396N.
Identifiers: ClinVar variation 1365059 (VCV001365059.8), dbSNP rs373601000, ClinGen allele CA8329581.